The following is an entry in ClinVar:

NM_138422.4(ADAT3):c.548C>T (p.Thr183Met)

Genes: SCAMP4 (secretory carrier membrane protein 4; plus strand), ADAT3 (adenosine deaminase tRNA specific 3; plus strand). Cytogenetic location: 19p13.3.
Variant type: single nucleotide variant.
Coding change: c.548C>T on transcript NM_138422.4 (MANE Select); coding-DNA position 548, C replaced by T.
Protein change: p.Thr183Met; replaces threonine 183 with methionine.
Molecular consequence: missense variant. On other transcripts: intron variant (3).
Genome position (GRCh38, 1-based): chr19:1,912,595, C>T. VCF-style: chr19-1912595-C-T. GRCh37 (hg19) VCF-style: chr19-1912594-C-T.
Other names: c.500C>T, p.Thr167Met (NM_001329533.2); c.-41-2384C>T (NM_079834.4, NM_001329540.2); c.-125-5099C>T (NM_001329539.2); short protein forms T183M, T167M.
Identifiers: ClinVar variation 425155 (VCV000425155.48), dbSNP rs139117131, ClinGen allele CA9054557.

ClinVar aggregate classification (germline): Conflicting classifications of pathogenicity. Review status: criteria provided, conflicting classifications (1 of 4 stars). 3 submissions from 3 submitters: Uncertain significance (1); Benign (1). 1 of the submissions does not count toward it. Last evaluated 2019-12-31.

Conditions:
ADAT3-related disorder. Also called: ADAT3-related condition.

Allele frequency attached by ClinVar (database versions not stated): 1000 Genomes Project 30x 0.00515; 1000 Genomes Project 0.00579; ESP Exome Variant Server 0.00639; ExAC 0.00845; gnomAD exomes 0.01100; TOPMed 0.01112; gnomAD 0.01124 and 0.01214.
gnomAD v4.1: 24,361 of 1,489,484 alleles (1.6%); highest among the groups gnomAD compares: Non-Finnish European, 1.9%; 241 homozygotes.

Submissions (3):

Labcorp Genetics (formerly Invitae), Labcorp
Classification: Benign. Last evaluated: 2019-12-31. Review status: criteria provided, single submitter. Criteria: Invitae Variant Classification Sherloc (09022015). Collection method: clinical testing. Allele origin: germline.

CeGaT Center for Human Genetics Tuebingen
Classification: Uncertain significance. Last evaluated: 2017-07-01. Review status: criteria provided, single submitter. Criteria: CeGaT Center For Human Genetics Tuebingen Variant Classification Criteria Version 2. Collection method: clinical testing. Allele origin: germline. Affected: yes. Observed: 2 variant alleles.

PreventionGenetics, part of Exact Sciences
Classification: Benign for ADAT3-related condition. Last evaluated: 2019-05-28. Review status: no assertion criteria provided. Collection method: clinical testing. Allele origin: germline. Not counted in ClinVar's aggregate classification.
Comment: This variant is classified as benign based on ACMG/AMP sequence variant interpretation guidelines (Richards et al. 2015 PMID: 25741868, with internal and published modifications).